The following is an entry in ClinVar:

ClinVar aggregate classification (germline): Pathogenic (1 of 4 stars; one submission).

Submission:

GeneDx
Classification: Pathogenic. Last evaluated: 2017-01-24. Review status: criteria provided, single submitter. Criteria: GeneDx Variant Classification (06012015). Collection method: clinical testing. Allele origin: germline. Affected: yes.
Comment: The c.5182delA variant in the RAI1 gene has not been reported previously as a pathogenic variant nor as a benign variant, to our knowledge. This variant causes a frameshift starting with codon Threonine 1728, changes this amino acid to a Proline residue, and creates a premature Stop codon at position 122 of the new reading frame, denoted p.Thr1728ProfsX122. This variant is predicted to cause loss of normal protein function either through protein truncation or nonsense-mediated mRNA decay. The c.5182delA variant was not observed in approximately 6500 individuals of European and African American ancestry in the NHLBI Exome Sequencing Project, indicating it is not a common benign variant in these populations. We interpret c.5182delA as a pathogenic variant.

NM_030665.4(RAI1):c.5182del (p.Thr1728fs)

Gene: RAI1 (retinoic acid induced 1; plus strand). Cytogenetic location: 17p11.2.
Variant type: Deletion.
Coding change: c.5182del on transcript NM_030665.4 (MANE Select); coding-DNA position 5182, one base deleted (A; older notation c.5182delA).
Protein change: p.Thr1728fs; shifts the reading frame from threonine 1728.
Molecular consequence: frameshift variant.
Genome position (GRCh38, 1-based): chr17:17,798,130, A deleted. VCF-style (leftmost placement, unchanged base first): chr17-17798129-CA-C. GRCh37 (hg19) VCF-style: chr17-17701443-CA-C.
Other names: short protein forms T1728fs.
Identifiers: ClinVar variation 423074 (VCV000423074.2), dbSNP rs1064796209, ClinGen allele CA16620344.